The following is an entry in ClinVar:

NM_001267550.2(TTN):c.106537A>G (p.Lys35513Glu)

Genes: TTN (titin; minus strand), TTN-AS1 (TTN antisense RNA 1; plus strand). Cytogenetic location: 2q31.2.
Variant type: single nucleotide variant.
Coding change: c.106537A>G on transcript NM_001267550.2 (MANE Select); coding-DNA position 106537, A replaced by G.
Protein change: p.Lys35513Glu; replaces lysine 35513 with glutamic acid.
Molecular consequence: missense variant.
Genome position (GRCh38, 1-based): chr2:178,529,214, T>C on the plus strand (A>G on the coding strand, the complement: TTN is on the minus strand). VCF-style: chr2-178529214-T-C. GRCh37 (hg19) VCF-style: chr2-179393941-T-C.
Other names: c.101614A>G, p.Lys33872Glu (NM_001256850.1); c.79342A>G, p.Lys26448Glu (NM_003319.4); c.98833A>G, p.Lys32945Glu (NM_133378.4); c.79717A>G, p.Lys26573Glu (NM_133432.3); c.79918A>G, p.Lys26640Glu (NM_133437.4); c.106537A>G (NM_001267550.1); short protein forms K35513E, K32945E, K26448E, K26573E, K33872E, K26640E.
Identifiers: ClinVar variation 571911 (VCV000571911.28), dbSNP rs551063889, ClinGen allele CA1985075.
Genomic context (GRCh38, chr2:178,529,214, plus strand): 5'-TCTTCTGAGGTGTAATTTCAGAAGTCTTTTGTGTAGAGACTTTCTGTGCCTCAGTATCTT[T>C]TATAGCTAAAAAAGAAACCTCTGTAAGGCAAACTTAATTAGAAAGAGACCCCCACCTTTT-3'
Protein context (NP_001254479.2, residues 35503-35523): SSCKLTIKAI[Lys35513Glu]DTEAQKVSTQ

ClinVar aggregate classification (germline): Uncertain significance. Review status: criteria provided, multiple submitters, no conflicts (2 of 4 stars). 5 submissions from 5 submitters: Uncertain significance (5). Last evaluated 2026-08-05.

Conditions:
Hypertrophic cardiomyopathy 9. Also called: Familial hypertrophic cardiomyopathy 9. Identifiers: MedGen C1861065, MONDO:0013412, OMIM 613765.
Autosomal recessive limb-girdle muscular dystrophy type 2J (LGMDR10). Also called: MUSCULAR DYSTROPHY, LIMB-GIRDLE, AUTOSOMAL RECESSIVE 10; Limb-girdle muscular dystrophy, type 2J. Identifiers: Orphanet 140922, MedGen C1837342, MONDO:0012127, OMIM 608807.
Dilated cardiomyopathy 1G (CMD1G). Identifiers: Orphanet 154, MedGen C1858763, MONDO:0011400, OMIM 604145.
Myopathy, myofibrillar, 9, with early respiratory failure (MFM9). Also called: Myopathy, distal, with early respiratory failure, autosomal dominant; Hereditary myopathy with early respiratory failure; EDSTROM MYOPATHY; MYOPATHY, PROXIMAL, WITH EARLY RESPIRATORY MUSCLE INVOLVEMENT. Identifiers: Orphanet 178464, Orphanet 34521, MedGen C1863599, MONDO:0011362, OMIM 603689.
Tibial muscular dystrophy (TMD). Also called: Tibial muscular dystrophy, tardive; Udd Distal Myopathy – Tibial Muscular Dystrophy; UDD MYOPATHY. Identifiers: Orphanet 609, MedGen C1838244, MONDO:0010870, OMIM 600334.
TTN-related disorder. Also called: TTN-related condition; TTN-related disease; TTN-related disorders.
Cardiovascular phenotype. Identifiers: MedGen CN230736.

Allele frequency attached by ClinVar (database versions not stated): gnomAD 0.00006; TOPMed 0.00006.
gnomAD v4.1: 67 of 1,467,244 alleles (0.0046%); highest among the groups gnomAD compares: Admixed American, 0.025%; 2 homozygotes.

Submissions (5):

GeneDx
Classification: Uncertain significance. Last evaluated: 2026-08-05. Review status: criteria provided, single submitter. Criteria: GeneDx Variant Classification Process June 2021. Collection method: clinical testing. Allele origin: germline.
Comment: In silico analysis suggests this variant may impact gene splicing. In the absence of RNA/functional studies, the actual effect of this sequence change is unknown.; Has not been previously published as pathogenic or benign to our knowledge

PreventionGenetics, part of Exact Sciences
Classification: Uncertain significance for TTN-related condition. Last evaluated: 2026-06-29. Review status: criteria provided, single submitter. Criteria: ACMG Guidelines, 2015. Collection method: clinical testing. Allele origin: germline.
Comment: The TTN c.106537A>G variant is predicted to result in the amino acid substitution p.Lys35513Glu. This variant is located near the beginning of exon 360 and is predicted to impact splicing based on splicing prediction programs (SpliceAI, Jaganathan et al. 2019. PubMed ID: 30661751). However, the use of computer prediction programs is not equivalent to functional evidence. To our knowledge, this variant has not been reported in the literature. This variant is reported in 0.024% of alleles in individuals of Latino descent in gnomAD and is interpreted as uncertain in ClinVar (Variation ID: 571911). At this time, the clinical significance of this variant is uncertain due to the absence of conclusive functional and genetic evidence.

Labcorp Genetics (formerly Invitae), Labcorp
Classification: Uncertain significance for Dilated cardiomyopathy 1G; Autosomal recessive limb-girdle muscular dystrophy type 2J. Last evaluated: 2026-02-01. Review status: criteria provided, single submitter. Criteria: Invitae Variant Classification Sherloc (09022015). Collection method: clinical testing. Allele origin: germline.
Comment: This sequence change replaces lysine, which is basic and polar, with glutamic acid, which is acidic and polar, at codon 35513 of the TTN protein (p.Lys35513Glu). This variant is present in population databases (rs551063889, gnomAD 0.02%). This variant has not been reported in the literature in individuals affected with TTN-related conditions. ClinVar contains an entry for this variant (Variation ID: 571911). An algorithm developed to predict the effect of missense changes on protein structure and function outputs the following: PolyPhen-2: "Not Available". The glutamic acid amino acid residue is found in multiple mammalian species, which suggests that this missense change does not adversely affect protein function. Algorithms developed to predict the effect of sequence changes on RNA splicing suggest that this variant may create or strengthen a splice site. This variant is located in the M band of TTN (PMID: 25589632). Non-truncating variants in this region may be relevant for neuromuscular disorders, but have not been definitively shown to cause cardiomyopathy (PMID: 23975875). In summary, the available evidence is currently insufficient to determine the role of this variant in disease. Therefore, it has been classified as a Variant of Uncertain Significance.

ARUP Laboratories, Molecular Genetics and Genomics, ARUP Laboratories
Classification: Uncertain significance. Last evaluated: 2024-05-15. Review status: criteria provided, single submitter. Criteria: ARUP Molecular Germline Variant Investigation Process 2024. Collection method: clinical testing. Allele origin: germline.
Comment: The TTN c.106537A>G; p.Lys35513Glu variant (rs551063889; ClinVar Variation ID: 571911) is rare in the general population (<0.2% allele frequency in the Genome Aggregation Database) and has not been reported in the medical literature in association with dilated cardiomyopathy (DCM) or other TTN-related disease. The clinical relevance of rare missense variants in this gene, which are identified on average once per individual sequenced in affected populations (Herman 2012), is not well understood. Yet, evidence suggests that the vast majority of such missense variants do not contribute to the clinical outcome of DCM (Begay 2015). Thus, the clinical significance of the p.Lys35513Glu variant cannot be determined with certainty. References: Begay RL et al. Role of Titin Missense Variants in Dilated Cardiomyopathy. J Am Heart Assoc. 2015 Nov 13;4(11). Herman DS et al. Truncations of titin causing dilated cardiomyopathy. N Engl J Med. 2012 Feb 16;366(7):619-28.

Ambry Genetics
Classification: Uncertain significance for Cardiovascular phenotype. Last evaluated: 2017-09-19. Review status: criteria provided, single submitter. Criteria: Ambry Variant Classification Scheme 2023. Collection method: clinical testing. Allele origin: germline.
Comment: The p.K26448E variant (also known as c.79342A>G), located in coding exon 187 of the TTN gene, results from an A to G substitution at nucleotide position 79342. The lysine at codon 26448 is replaced by glutamic acid, an amino acid with similar properties. This amino acid position is well conserved in available vertebrate species; however, glutamic acid is the reference amino acid in other vertebrate species. Using the BDGP, ESEfinder and Human Splicing Finder (HSF) splice site prediction tools, this alteration is predicted to either abolish the native splice acceptor site, create a new acceptor splice site, or strengthen a cryptic acceptor splice site; however, direct evidence is unavailable (Desmet FO et al. Nucleic Acids Res. 2009 May;37:e67). In addition, this alteration is predicted to be tolerated by in silico analysis. Since supporting evidence is limited at this time, the clinical significance of this variant remains unclear.

Literature cited by the submitters: PubMed 25589632 (cited by Labcorp Genetics (formerly Invitae), Labcorp); PubMed 23975875 (cited by Labcorp Genetics (formerly Invitae), Labcorp).